The following is an entry in ClinVar:

NM_020297.4(ABCC9):c.2572T>C (p.Phe858Leu)

Gene: ABCC9 (ATP binding cassette subfamily C member 9; minus strand). Cytogenetic location: 12p12.1.
Variant type: single nucleotide variant.
Coding change: c.2572T>C on transcript NM_020297.4 (MANE Select); coding-DNA position 2572, T replaced by C.
Protein change: p.Phe858Leu; replaces phenylalanine 858 with leucine.
Molecular consequence: missense variant.
Genome position (GRCh38, 1-based): chr12:21,852,439, A>G on the plus strand (T>C on the coding strand, the complement: ABCC9 is on the minus strand). VCF-style: chr12-21852439-A-G. GRCh37 (hg19) VCF-style: chr12-22005373-A-G.
Other names: c.2572T>C, p.Phe858Leu (NM_001377273.1, NM_005691.4); c.1705T>C, p.Phe569Leu (NM_001377274.1); short protein forms F569L, F858L.
Identifiers: ClinVar variation 970900 (VCV000970900.9), dbSNP rs1945017315, ClinGen allele CA384125570.

ClinVar aggregate classification (germline): Uncertain significance (1 of 4 stars; one submission).

Conditions:
Dilated cardiomyopathy 1O (CMD1O). Also called: CARDIOMYOPATHY, DILATED, WITH VENTRICULAR TACHYCARDIA. Identifiers: Orphanet 154, MedGen C1837839, MONDO:0012062, OMIM 608569.

Submission:

Labcorp Genetics (formerly Invitae), Labcorp
Classification: Uncertain significance for Dilated cardiomyopathy 1O. Last evaluated: 2019-10-12. Review status: criteria provided, single submitter. Criteria: Invitae Variant Classification Sherloc (09022015). Collection method: clinical testing. Allele origin: germline.
Comment: This sequence change replaces phenylalanine with leucine at codon 858 of the ABCC9 protein (p.Phe858Leu). The phenylalanine residue is moderately conserved and there is a small physicochemical difference between phenylalanine and leucine. This variant is not present in population databases (ExAC no frequency). This variant has not been reported in the literature in individuals with ABCC9-related conditions. Algorithms developed to predict the effect of missense changes on protein structure and function (SIFT, PolyPhen-2, Align-GVGD) all suggest that this variant is likely to be tolerated, but these predictions have not been confirmed by published functional studies and their clinical significance is uncertain. In summary, the available evidence is currently insufficient to determine the role of this variant in disease. Therefore, it has been classified as a Variant of Uncertain Significance.